The following is an entry in ClinVar:

ClinVar aggregate classification (germline): Uncertain significance (1 of 4 stars; one submission).

gnomAD v4.1: 9 of 1,550,482 alleles (0.00058%); highest among the groups gnomAD compares: African/African-American, 0.011%; no homozygotes.

Submission:

GeneDx
Classification: Uncertain significance. Last evaluated: 2024-07-03. Review status: criteria provided, single submitter. Criteria: GeneDx Variant Classification Process June 2021. Collection method: clinical testing. Allele origin: germline. Affected: yes.
Comment: Not observed at significant frequency in large population cohorts (gnomAD); In silico analysis supports that this missense variant has a deleterious effect on protein structure/function; Has not been previously published as pathogenic or benign to our knowledge

NM_001292063.2(OTOG):c.2045C>T (p.Ser682Phe)

Gene: OTOG (otogelin; plus strand). Cytogenetic location: 11p15.1.
Variant type: single nucleotide variant.
Coding change: c.2045C>T on transcript NM_001292063.2 (MANE Select); coding-DNA position 2045, C replaced by T.
Protein change: p.Ser682Phe; replaces serine 682 with phenylalanine.
Molecular consequence: missense variant.
Genome position (GRCh38, 1-based): chr11:17,572,169, C>T. VCF-style: chr11-17572169-C-T. GRCh37 (hg19) VCF-style: chr11-17593716-C-T.
Other names: c.2081C>T, p.Ser694Phe (NM_001277269.2); short protein forms S694F, S682F.
Identifiers: ClinVar variation 3393683 (VCV003393683.1).